The following is an entry in ClinVar:

NM_000204.5(CFI):c.438C>A (p.Ser146Arg)

Gene: CFI (complement factor I; minus strand). Cytogenetic location: 4q25.
Variant type: single nucleotide variant.
Coding change: c.438C>A on transcript NM_000204.5 (MANE Select); coding-DNA position 438, C replaced by A.
Protein change: p.Ser146Arg; replaces serine 146 with arginine.
Molecular consequence: missense variant. On other transcripts: non-coding transcript variant (3), intron variant (1).
Genome position (GRCh38, 1-based): chr4:109,764,581, G>T on the plus strand (C>A on the coding strand, the complement: CFI is on the minus strand). VCF-style: chr4-109764581-G-T. GRCh37 (hg19) VCF-style: chr4-110685737-G-T.
Other names: c.438C>A, p.Ser146Arg (NM_001318057.2, NM_001331035.2, NM_001375278.1 and 5 more transcripts); c.-127-2889C>A (NM_001375284.1); short protein forms S146R.
Identifiers: ClinVar variation 1967263 (VCV001967263.5), dbSNP rs998481827, ClinGen allele CA103697297.

ClinVar aggregate classification (germline): Uncertain significance (1 of 4 stars; one submission).

Allele frequency attached by ClinVar (database versions not stated): TOPMed below 0.00001; gnomAD 0.00001; gnomAD exomes 0.00001.
gnomAD v4.1: 13 of 1,613,974 alleles (0.00081%); highest among the groups gnomAD compares: Non-Finnish European, 0.0011%; no homozygotes.

Submission:

Labcorp Genetics (formerly Invitae), Labcorp
Classification: Uncertain significance. Last evaluated: 2022-04-16. Review status: criteria provided, single submitter. Criteria: Invitae Variant Classification Sherloc (09022015). Collection method: clinical testing. Allele origin: germline.
Comment: In summary, the available evidence is currently insufficient to determine the role of this variant in disease. Therefore, it has been classified as a Variant of Uncertain Significance. Advanced modeling of protein sequence and biophysical properties (such as structural, functional, and spatial information, amino acid conservation, physicochemical variation, residue mobility, and thermodynamic stability) performed at Invitae indicates that this missense variant is not expected to disrupt CFI protein function. This missense change has been observed in individual(s) with atypical hemolytic uremic syndrome (PMID: 27268256). This variant is present in population databases (no rsID available, gnomAD 0.002%). This sequence change replaces serine, which is neutral and polar, with arginine, which is basic and polar, at codon 146 of the CFI protein (p.Ser146Arg).

Literature cited by the submitters: PubMed 27268256.